The following is an entry in ClinVar:

ClinVar aggregate classification (germline): Benign/Likely benign. Review status: criteria provided, multiple submitters, no conflicts (2 of 4 stars). 10 submissions from 9 submitters: Benign (5); Likely benign (1). 4 of the submissions do not count toward it. Last evaluated 2026-07-01.

Conditions:
Basal cell nevus syndrome 1 (BCNS1). Also called: GORLIN-GOLTZ SYNDROME; MULTIPLE BASAL CELL NEVI, ODONTOGENIC KERATOCYSTS, AND SKELETAL ANOMALIES. Identifiers: MedGen CN376810, MONDO:0958174, OMIM 109400.
Basal cell carcinoma, susceptibility to, 1. Also called: BCC1. Identifiers: MedGen C2751544, MONDO:0011556, OMIM 605462.
Gorlin syndrome. Also called: Nevoid Basal Cell Carcinoma Syndrome; Basal cell nevus syndrome. Identifiers: Orphanet 377, MedGen C0004779, MONDO:0007187.
PTCH2-related disorder. Also called: PTCH2-related condition; PTCH2-related disease.

Allele frequency attached by ClinVar (database versions not stated): 1000 Genomes Project 0.00100; 1000 Genomes Project 30x 0.00141; TOPMed 0.00586; ExAC 0.00606; gnomAD exomes 0.00613; gnomAD 0.00631 and 0.00649; ESP Exome Variant Server 0.00769.
gnomAD v4.1: 14,200 of 1,614,206 alleles (0.88%); highest among the groups gnomAD compares: Non-Finnish European, 1.1%; 79 homozygotes.

Submissions (10):

CeGaT Center for Human Genetics Tuebingen
Classification: Benign. Last evaluated: 2026-07-01. Review status: criteria provided, single submitter. Criteria: CeGaT Center For Human Genetics Tuebingen Variant Classification Criteria Version 2. Collection method: clinical testing. Allele origin: germline. Affected: yes. Observed: 86 variant alleles.
Comment: PTCH2: BP4, BP7, BS1, BS2

Labcorp Genetics (formerly Invitae), Labcorp
Classification: Benign for Gorlin syndrome. Last evaluated: 2026-01-26. Review status: criteria provided, single submitter. Criteria: Invitae Variant Classification Sherloc (09022015). Collection method: clinical testing. Allele origin: germline.

KCCC/NGS Laboratory, Kuwait Cancer Control Center
Classification: Benign for Basal cell nevus syndrome 1. Last evaluated: 2025-02-01. Review status: criteria provided, single submitter. Criteria: ACMG Guidelines, 2015. Collection method: clinical testing. Allele origin: germline. Affected: no.

Blueprint Genetics
Classification: Likely benign. Last evaluated: 2024-11-25. Review status: criteria provided, single submitter. Criteria: ACMG Guidelines, 2015. Collection method: clinical testing. Allele origin: germline.

KCCC/NGS Laboratory, Kuwait Cancer Control Center
Classification: Benign for Basal cell carcinoma, susceptibility to, 1. Last evaluated: 2023-07-07. Review status: criteria provided, single submitter. Criteria: ACMG Guidelines, 2015. Collection method: clinical testing. Allele origin: germline. Affected: yes.

Breakthrough Genomics
Classification: Benign. Review status: criteria provided, single submitter. Criteria: ACMG Guidelines, 2015. Collection method: not provided. Allele origin: germline. Inheritance: Autosomal recessive inheritance. Affected: yes.

PreventionGenetics, part of Exact Sciences
Classification: Benign for PTCH2-related condition. Last evaluated: 2019-04-29. Review status: no assertion criteria provided. Collection method: clinical testing. Allele origin: germline. Not counted in ClinVar's aggregate classification.
Comment: This variant is classified as benign based on ACMG/AMP sequence variant interpretation guidelines (Richards et al. 2015 PMID: 25741868, with internal and published modifications).

Clinical Genetics DNA and cytogenetics Diagnostics Lab, Erasmus MC, Erasmus Medical Center
Classification: Likely benign. Review status: no assertion criteria provided. Collection method: clinical testing. Allele origin: germline. Affected: yes. Study: VKGL Data-share Consensus. Not counted in ClinVar's aggregate classification.

Genome Diagnostics Laboratory, Amsterdam University Medical Center
Classification: Benign. Review status: no assertion criteria provided. Collection method: clinical testing. Allele origin: germline. Affected: yes. Study: VKGL Data-share Consensus. Not counted in ClinVar's aggregate classification.

Laboratory of Diagnostic Genome Analysis, Leiden University Medical Center (LUMC)
Classification: Likely benign. Review status: no assertion criteria provided. Collection method: clinical testing. Allele origin: germline. Affected: yes. Study: VKGL Data-share Consensus. Not counted in ClinVar's aggregate classification.

NM_003738.5(PTCH2):c.1080G>T (p.Val360=)

Gene: PTCH2 (patched 2; minus strand). Cytogenetic location: 1p34.1.
Variant type: single nucleotide variant.
Coding change: c.1080G>T on transcript NM_003738.5 (MANE Select); coding-DNA position 1080, G replaced by T.
Protein change: p.Val360=; no amino-acid change (valine 360 retained).
Molecular consequence: synonymous variant.
Genome position (GRCh38, 1-based): chr1:44,829,617, C>A on the plus strand (G>T on the coding strand, the complement: PTCH2 is on the minus strand). VCF-style: chr1-44829617-C-A. GRCh37 (hg19) VCF-style: chr1-45295289-C-A.
Other names: c.1080G>T, p.Val360= (NM_001166292.2).
Identifiers: ClinVar variation 239553 (VCV000239553.43), dbSNP rs11573579, ClinGen allele CA823447.